The following is an entry in ClinVar:

NM_005560.6(LAMA5):c.1307C>T (p.Thr436Met)

Gene: LAMA5 (laminin subunit alpha 5; minus strand). Cytogenetic location: 20q13.33.
Variant type: single nucleotide variant.
Coding change: c.1307C>T on transcript NM_005560.6 (MANE Select); coding-DNA position 1307, C replaced by T.
Protein change: p.Thr436Met; replaces threonine 436 with methionine.
Molecular consequence: missense variant.
Genome position (GRCh38, 1-based): chr20:62,346,191, G>A on the plus strand (C>T on the coding strand, the complement: LAMA5 is on the minus strand). VCF-style: chr20-62346191-G-A. GRCh37 (hg19) VCF-style: chr20-60921247-G-A.
Other names: c.1307C>T (NM_005560.3); short protein forms T436M.
Identifiers: ClinVar variation 2178664 (VCV002178664.5), dbSNP rs969397741, ClinGen allele CA317278678.
Genomic context (GRCh38, chr20:62,346,191, plus strand): 5'-TCCCCAGAGAAGTTGGGCCGGCAGTAGCATCGACCCGTCAGGTCCTCGCAGGTGCCATCC[G>A]TGAAGTCGGACTCGCAGTTGCAGCCTGGGCAGGGGCAGGAGCCGGGTAAGCCTGGAGCTA-3'
Protein context (NP_005551.3, residues 426-446): CRRCNCESDF[Thr436Met]DGTCEDLTGR

ClinVar aggregate classification (germline): Uncertain significance. Review status: criteria provided, multiple submitters, no conflicts (2 of 4 stars). 2 submissions from 2 submitters: Uncertain significance (2). Last evaluated 2022-10-06.

Conditions:
Inborn genetic diseases. Identifiers: MedGen C0950123, MeSH D030342.

Allele frequency attached by ClinVar (database versions not stated): TOPMed 0.00001; gnomAD 0.00002.
gnomAD v4.1: 12 of 1,612,178 alleles (0.00074%); highest among the groups gnomAD compares: East Asian, 0.0022%; no homozygotes.

Submissions (2):

Ambry Genetics
Classification: Uncertain significance for Inborn genetic diseases. Last evaluated: 2022-10-06. Review status: criteria provided, single submitter. Criteria: Ambry Variant Classification Scheme 2023. Collection method: clinical testing. Allele origin: germline.

Labcorp Genetics (formerly Invitae), Labcorp
Classification: Uncertain significance. Last evaluated: 2022-05-10. Review status: criteria provided, single submitter. Criteria: Invitae Variant Classification Sherloc (09022015). Collection method: clinical testing. Allele origin: germline.
Comment: This variant has not been reported in the literature in individuals affected with LAMA5-related conditions. This variant is present in population databases (no rsID available, gnomAD 0.007%). This sequence change replaces threonine, which is neutral and polar, with methionine, which is neutral and non-polar, at codon 436 of the LAMA5 protein (p.Thr436Met). Algorithms developed to predict the effect of missense changes on protein structure and function output the following: SIFT: "Tolerated"; PolyPhen-2: "Possibly Damaging"; Align-GVGD: "Class C0". The methionine amino acid residue is found in multiple mammalian species, which suggests that this missense change does not adversely affect protein function. In summary, the available evidence is currently insufficient to determine the role of this variant in disease. Therefore, it has been classified as a Variant of Uncertain Significance.